The following is an entry in ClinVar:

NM_032816.5(CEP89):c.595+5A>G

Gene: CEP89 (centrosomal protein 89; minus strand). Cytogenetic location: 19q13.11.
Variant type: single nucleotide variant.
Coding change: c.595+5A>G on transcript NM_032816.5 (MANE Select); 5 bases into the intron after coding-DNA position 595, A replaced by G.
Molecular consequence: intron variant.
Genome position (GRCh38, 1-based): chr19:32,948,261, T>C on the plus strand (A>G on the coding strand, the complement: CEP89 is on the minus strand). VCF-style: chr19-32948261-T-C. GRCh37 (hg19) VCF-style: chr19-33439167-T-C.
Identifiers: ClinVar variation 2757824 (VCV002757824.3), dbSNP rs201834628, ClinGen allele CA9359607.

ClinVar aggregate classification (germline): Uncertain significance (1 of 4 stars; one submission).

Allele frequency attached by ClinVar (database versions not stated): gnomAD exomes 0.00002; ExAC 0.00004; TOPMed 0.00008; gnomAD 0.00010; 1000 Genomes Project 30x 0.00016; 1000 Genomes Project 0.00020.
gnomAD v4.1: 38 of 1,521,314 alleles (0.0025%); highest among the groups gnomAD compares: African/African-American, 0.025%; no homozygotes.

Submission:

Labcorp Genetics (formerly Invitae), Labcorp
Classification: Uncertain significance. Last evaluated: 2023-04-02. Review status: criteria provided, single submitter. Criteria: Invitae Variant Classification Sherloc (09022015). Collection method: clinical testing. Allele origin: germline.
Comment: The frequency data for this variant in the population databases is considered unreliable, as metrics indicate poor data quality at this position in the gnomAD database. This variant has not been reported in the literature in individuals affected with CEP89-related conditions. Variants that disrupt the consensus splice site are a relatively common cause of aberrant splicing (PMID: 17576681, 9536098). Algorithms developed to predict the effect of sequence changes on RNA splicing suggest that this variant is not likely to affect RNA splicing. In summary, the available evidence is currently insufficient to determine the role of this variant in disease. Therefore, it has been classified as a Variant of Uncertain Significance. This sequence change falls in intron 5 of the CEP89 gene. It does not directly change the encoded amino acid sequence of the CEP89 protein. It affects a nucleotide within the consensus splice site.

Literature cited by the submitters: PubMed 17576681; PubMed 9536098.